The following is an entry in ClinVar:

NM_000278.5(PAX2):c.1108A>T (p.Ser370Cys)

Gene: PAX2 (paired box 2; plus strand). Cytogenetic location: 10q24.31.
Variant type: single nucleotide variant.
Coding change: c.1108A>T on transcript NM_000278.5 (MANE Select); coding-DNA position 1108, A replaced by T.
Protein change: p.Ser370Cys; replaces serine 370 with cysteine.
Molecular consequence: missense variant. On other transcripts: stop lost (1).
Genome position (GRCh38, 1-based): chr10:100,827,095, A>T. VCF-style: chr10-100827095-A-T. GRCh37 (hg19) VCF-style: chr10-102586852-A-T.
Other names: c.1201A>T, p.Ser401Cys (NM_001304569.2); c.1177A>T, p.Ser393Cys (NM_003987.5); c.1191A>T, p.Ter397Tyr (NM_003988.5); c.1108A>T, p.Met370Leu (NM_003989.5); c.1177A>T, p.Met393Leu (NM_003990.5); short protein forms S370C, S401C, M393L, M370L, S393C.
Identifiers: ClinVar variation 3572564 (VCV003572564.1).

ClinVar aggregate classification (germline): Uncertain significance (1 of 4 stars; one submission).

Submission:

GeneDx
Classification: Uncertain significance. Last evaluated: 2024-07-08. Review status: criteria provided, single submitter. Criteria: GeneDx Variant Classification Process June 2021. Collection method: clinical testing. Allele origin: germline. Affected: yes.
Comment: Not observed at significant frequency in large population cohorts (gnomAD); In silico analysis indicates that this missense variant does not alter protein structure/function; Has not been previously published as pathogenic or benign to our knowledge